The following is an entry in ClinVar:

NM_002907.4(RECQL):c.1138A>G (p.Lys380Glu)

Gene: RECQL (RecQ like helicase; minus strand). Cytogenetic location: 12p12.1.
Variant type: single nucleotide variant.
Coding change: c.1138A>G on transcript NM_002907.4 (MANE Select); coding-DNA position 1138, A replaced by G.
Protein change: p.Lys380Glu; replaces lysine 380 with glutamic acid.
Molecular consequence: missense variant.
Genome position (GRCh38, 1-based): chr12:21,475,546, T>C on the plus strand (A>G on the coding strand, the complement: RECQL is on the minus strand). VCF-style: chr12-21475546-T-C. GRCh37 (hg19) VCF-style: chr12-21628480-T-C.
Other names: c.1138A>G, p.Lys380Glu (NM_032941.3); short protein forms K380E.
Identifiers: ClinVar variation 4863109 (VCV004863109.1).

ClinVar aggregate classification (germline): Uncertain significance (1 of 4 stars; one submission).

Submission:

Ambry Genetics
Classification: Uncertain significance. Last evaluated: 2026-03-23. Review status: criteria provided, single submitter. Criteria: Ambry Variant Classification Scheme 2023. Collection method: clinical testing. Allele origin: germline.
Comment: The p.K380E variant (also known as c.1138A>G), located in coding exon 9 of the RECQL gene, results from an A to G substitution at nucleotide position 1138. The lysine at codon 380 is replaced by glutamic acid, an amino acid with similar properties. This amino acid position is conserved. In addition, this alteration is predicted to be deleterious by in silico analysis. Based on the available evidence, the clinical significance of this variant remains unclear.